The following is an entry in ClinVar:

ClinVar aggregate classification (germline): Uncertain significance (1 of 4 stars; one submission).

gnomAD v4.1: 1 of 1,391,556 alleles (0.000072%); highest among the groups gnomAD compares: South Asian, 0.0011%; no homozygotes.

Submission:

Labcorp Genetics (formerly Invitae), Labcorp
Classification: Uncertain significance. Last evaluated: 2025-09-16. Review status: criteria provided, single submitter. Criteria: Invitae Variant Classification Sherloc (09022015). Collection method: clinical testing. Allele origin: germline.
Comment: This sequence change replaces alanine, which is neutral and non-polar, with valine, which is neutral and non-polar, at codon 2048 of the COL7A1 protein (p.Ala2048Val). This variant is not present in population databases (gnomAD no frequency). This variant has not been reported in the literature in individuals affected with COL7A1-related conditions. Invitae Evidence Modeling of protein sequence and biophysical properties (such as structural, functional, and spatial information, amino acid conservation, physicochemical variation, residue mobility, and thermodynamic stability) indicates that this missense variant is not expected to disrupt COL7A1 protein function with a negative predictive value of 95%. In summary, the available evidence is currently insufficient to determine the role of this variant in disease. Therefore, it has been classified as a Variant of Uncertain Significance.

NM_000094.4(COL7A1):c.6143C>T (p.Ala2048Val)

Gene: COL7A1 (collagen type VII alpha 1 chain; minus strand). Cytogenetic location: 3p21.31.
Variant type: single nucleotide variant.
Coding change: c.6143C>T on transcript NM_000094.4 (MANE Select); coding-DNA position 6143, C replaced by T.
Protein change: p.Ala2048Val; replaces alanine 2048 with valine.
Molecular consequence: missense variant.
Genome position (GRCh38, 1-based): chr3:48,575,376, G>A on the plus strand (C>T on the coding strand, the complement: COL7A1 is on the minus strand). VCF-style: chr3-48575376-G-A. GRCh37 (hg19) VCF-style: chr3-48612809-G-A.
Other names: short protein forms A2048V.
Identifiers: ClinVar variation 4749114 (VCV004749114.1).